The following is an entry in ClinVar:

NM_001330260.2(SCN8A):c.307C>A (p.Leu103Ile)

Gene: SCN8A (sodium voltage-gated channel alpha subunit 8; plus strand). Cytogenetic location: 12q13.13.
Variant type: single nucleotide variant.
Coding change: c.307C>A on transcript NM_001330260.2 (MANE Select); coding-DNA position 307, C replaced by A.
Protein change: p.Leu103Ile; replaces leucine 103 with isoleucine.
Molecular consequence: missense variant.
Genome position (GRCh38, 1-based): chr12:51,684,204, C>A. VCF-style: chr12-51684204-C-A. GRCh37 (hg19) VCF-style: chr12-52077988-C-A.
Other names: c.307C>A, p.Leu103Ile (NM_001177984.3, NM_001369788.1, NM_014191.4); short protein forms L103I.
Identifiers: ClinVar variation 1045641 (VCV001045641.33), dbSNP rs1941382009, ClinGen allele CA385220720.

ClinVar aggregate classification (germline): Uncertain significance. Review status: criteria provided, multiple submitters, no conflicts (2 of 4 stars). 2 submissions from 2 submitters: Uncertain significance (2). Last evaluated 2022-09-01.

Conditions:
Early-infantile DEE. Also called: Early infantile epileptic encephalopathy; Early infantile epileptic encephalopathy with suppression bursts; Ohtahara syndrome. Identifiers: Orphanet 1934, MedGen C0393706, MONDO:0800491.

Submissions (2):

CeGaT Center for Human Genetics Tuebingen
Classification: Uncertain significance. Last evaluated: 2022-09-01. Review status: criteria provided, single submitter. Criteria: CeGaT Center For Human Genetics Tuebingen Variant Classification Criteria Version 2. Collection method: clinical testing. Allele origin: germline. Affected: yes. Observed: 1 variant allele.
Comment: SCN8A: PM2

Labcorp Genetics (formerly Invitae), Labcorp
Classification: Uncertain significance for Early-infantile DEE. Last evaluated: 2020-08-07. Review status: criteria provided, single submitter. Criteria: Invitae Variant Classification Sherloc (09022015). Collection method: clinical testing. Allele origin: germline.
Comment: This variant is not present in population databases (ExAC no frequency). In summary, the available evidence is currently insufficient to determine the role of this variant in disease. Therefore, it has been classified as a Variant of Uncertain Significance. Algorithms developed to predict the effect of missense changes on protein structure and function (SIFT, PolyPhen-2, Align-GVGD) all suggest that this variant is likely to be tolerated, but these predictions have not been confirmed by published functional studies and their clinical significance is uncertain. This variant has not been reported in the literature in individuals with SCN8A-related conditions. This sequence change replaces leucine with isoleucine at codon 103 of the SCN8A protein (p.Leu103Ile). The leucine residue is highly conserved and there is a small physicochemical difference between leucine and isoleucine.